The following is an entry in ClinVar:

NM_020919.4(ALS2):c.3624+1G>A

Gene: ALS2 (alsin Rho guanine nucleotide exchange factor ALS2; minus strand). Cytogenetic location: 2q33.1.
Variant type: single nucleotide variant.
Coding change: c.3624+1G>A on transcript NM_020919.4 (MANE Select); the canonical splice donor site of the intron after coding-DNA position 3624, G replaced by A.
Molecular consequence: splice donor variant.
Genome position (GRCh38, 1-based): chr2:201,723,329, C>T on the plus strand (G>A on the coding strand, the complement: ALS2 is on the minus strand). VCF-style: chr2-201723329-C-T. GRCh37 (hg19) VCF-style: chr2-202588052-C-T.
Other names: c.3624+1G>A (NM_001410975.1).
Identifiers: ClinVar variation 1066545 (VCV001066545.37), dbSNP rs2105998730, ClinGen allele CA350319243.

ClinVar aggregate classification (germline): Pathogenic. Review status: criteria provided, single submitter (1 of 4 stars). 2 submissions from 2 submitters: Pathogenic (1). 1 of the submissions does not count toward it. Last evaluated 2025-05-27.

Conditions:
Infantile-onset ascending hereditary spastic paralysis (IAHSP). Also called: Autosomal Recessive Juvenile Amyotrophic Lateral Sclerosis; Infantile-Onset Ascending Hereditary Spastic Paralysis (IAHSP). Identifiers: Orphanet 293168, MedGen C2931441, MONDO:0011797, OMIM 607225. Disease mechanism: loss of function.
Amyotrophic lateral sclerosis (ALS). Also called: Charcot disease; Lou Gehrig disease. Identifiers: Orphanet 803, MedGen C0002736, MONDO:0004976, HP:0007354.

Submissions (2):

Labcorp Genetics (formerly Invitae), Labcorp
Classification: Pathogenic for Infantile-onset ascending hereditary spastic paralysis. Last evaluated: 2025-05-27. Review status: criteria provided, single submitter. Criteria: Invitae Variant Classification Sherloc (09022015). Collection method: clinical testing. Allele origin: germline.
Comment: This sequence change affects a donor splice site in intron 22 of the ALS2 gene. It is expected to disrupt RNA splicing. Variants that disrupt the donor or acceptor splice site typically lead to a loss of protein function (PMID: 16199547), and loss-of-function variants in ALS2 are known to be pathogenic (PMID: 11586298, 24315819). This variant is not present in population databases (gnomAD no frequency). Disruption of this splice site has been observed in individuals with clinical features of ALS2-related conditions (PMID: 36549973; internal data). ClinVar contains an entry for this variant (Variation ID: 1066545). Algorithms developed to predict the effect of sequence changes on RNA splicing suggest that this variant may disrupt the consensus splice site. For these reasons, this variant has been classified as Pathogenic.

UM ALS/MND Lab, University Of Malta
Classification: Likely pathogenic for Amyotrophic lateral sclerosis. Last evaluated: 2022-04-01. Review status: no assertion criteria provided. Collection method: research. Allele origin: unknown. Inheritance: Autosomal recessive inheritance. Affected: yes. Observed: 1 compound heterozygote. Not counted in ClinVar's aggregate classification.
Comment: Variant observed in compound heterozygosis

Literature cited by the submitters: PubMed 16199547 (cited by Labcorp Genetics (formerly Invitae), Labcorp); PubMed 11586298 (cited by Labcorp Genetics (formerly Invitae), Labcorp); PubMed 24315819 (cited by Labcorp Genetics (formerly Invitae), Labcorp); PubMed 36549973 (cited by Labcorp Genetics (formerly Invitae), Labcorp).